The following is an entry in ClinVar:

ClinVar aggregate classification (germline): Uncertain significance (1 of 4 stars; one submission).

Allele frequency attached by ClinVar (database versions not stated): ExAC 0.00001; gnomAD exomes 0.00002.
gnomAD v4.1: 34 of 1,614,004 alleles (0.0021%); highest among the groups gnomAD compares: Non-Finnish European, 0.0026%; no homozygotes.

Submission:

Labcorp Genetics (formerly Invitae), Labcorp
Classification: Uncertain significance. Last evaluated: 2023-06-14. Review status: criteria provided, single submitter. Criteria: Invitae Variant Classification Sherloc (09022015). Collection method: clinical testing. Allele origin: germline.
Comment: In summary, the available evidence is currently insufficient to determine the role of this variant in disease. Therefore, it has been classified as a Variant of Uncertain Significance. An algorithm developed to predict the effect of missense changes on protein structure and function (PolyPhen-2) suggests that this variant is likely to be tolerated. This variant has not been reported in the literature in individuals affected with ANGPT1-related conditions. This variant is present in population databases (rs775436703, gnomAD 0.003%). This sequence change replaces asparagine, which is neutral and polar, with aspartic acid, which is acidic and polar, at codon 244 of the ANGPT1 protein (p.Asn244Asp).

NM_001146.5(ANGPT1):c.730A>G (p.Asn244Asp)

Gene: ANGPT1 (angiopoietin 1; minus strand). Cytogenetic location: 8q23.1.
Variant type: single nucleotide variant.
Coding change: c.730A>G on transcript NM_001146.5 (MANE Select); coding-DNA position 730, A replaced by G.
Protein change: p.Asn244Asp; replaces asparagine 244 with aspartic acid.
Molecular consequence: missense variant.
Genome position (GRCh38, 1-based): chr8:107,321,974, T>C on the plus strand (A>G on the coding strand, the complement: ANGPT1 is on the minus strand). VCF-style: chr8-107321974-T-C. GRCh37 (hg19) VCF-style: chr8-108334202-T-C.
Other names: c.730A>G, p.Asn244Asp (NM_001199859.3); c.130A>G, p.Asn44Asp (NM_001314051.2); short protein forms N44D, N244D.
Identifiers: ClinVar variation 2891708 (VCV002891708.3), dbSNP rs775436703, ClinGen allele CA4841281.